The following is an entry in ClinVar:

NM_015295.3(SMCHD1):c.1390G>T (p.Ala464Ser)

Gene: SMCHD1 (structural maintenance of chromosomes flexible hinge domain containing 1; plus strand). Cytogenetic location: 18p11.32.
Variant type: single nucleotide variant.
Coding change: c.1390G>T on transcript NM_015295.3 (MANE Select); coding-DNA position 1390, G replaced by T.
Protein change: p.Ala464Ser; replaces alanine 464 with serine.
Molecular consequence: missense variant.
Genome position (GRCh38, 1-based): chr18:2,700,586, G>T. VCF-style: chr18-2700586-G-T. GRCh37 (hg19) VCF-style: chr18-2700584-G-T.
Other names: short protein forms A464S.
Identifiers: ClinVar variation 283749 (VCV000283749.12), dbSNP rs752328609, ClinGen allele CA8870738.

ClinVar aggregate classification (germline): Uncertain significance. Review status: criteria provided, multiple submitters, no conflicts (2 of 4 stars). 2 submissions from 2 submitters: Uncertain significance (2). Last evaluated 2022-03-13.

Conditions:
Facioscapulohumeral muscular dystrophy 2 (FSHD2). Also called: FACIOSCAPULOHUMERAL MUSCULAR DYSTROPHY 2, DIGENIC; FSHD2, DIGENIC; MUSCULAR DYSTROPHY, FACIOSCAPULOHUMERAL, TYPE 1B. Identifiers: Orphanet 269, MedGen C1834671, MONDO:0008031, OMIM 158901.

Allele frequency attached by ClinVar (database versions not stated): gnomAD exomes 0.00001 and 0.00002; ExAC 0.00003.
gnomAD v4.1: 34 of 1,612,032 alleles (0.0021%); highest among the groups gnomAD compares: South Asian, 0.0044%; no homozygotes.

Submissions (2):

Labcorp Genetics (formerly Invitae), Labcorp
Classification: Uncertain significance for Facioscapulohumeral muscular dystrophy 2. Last evaluated: 2022-03-13. Review status: criteria provided, single submitter. Criteria: Invitae Variant Classification Sherloc (09022015). Collection method: clinical testing. Allele origin: germline.
Comment: This sequence change replaces alanine, which is neutral and non-polar, with serine, which is neutral and polar, at codon 464 of the SMCHD1 protein (p.Ala464Ser). This variant is present in population databases (rs752328609, gnomAD 0.003%). This variant has not been reported in the literature in individuals affected with SMCHD1-related conditions. ClinVar contains an entry for this variant (Variation ID: 283749). Algorithms developed to predict the effect of missense changes on protein structure and function (SIFT, PolyPhen-2, Align-GVGD) all suggest that this variant is likely to be tolerated. In summary, the available evidence is currently insufficient to determine the role of this variant in disease. Therefore, it has been classified as a Variant of Uncertain Significance.

Eurofins Ntd Llc (ga)
Classification: Uncertain significance. Last evaluated: 2015-10-29. Review status: criteria provided, single submitter. Criteria: EGL Classification Definitions 2015. Collection method: clinical testing. Allele origin: germline. Observed: 1 variant allele, 1 heterozygote.